The following is an entry in ClinVar:

ClinVar aggregate classification (germline): Uncertain significance (1 of 4 stars; one submission).

Conditions:
Medulloblastoma (MDB). Also called: MEDULLOBLASTOMA PREDISPOSITION SYNDROME; Medulloblastoma, somatic. Identifiers: Orphanet 616, MedGen C0025149, MeSH D008527, MONDO:0007959, OMIM 155255, HP:0002885.
Gorlin syndrome. Also called: Basal cell nevus syndrome; Nevoid Basal Cell Carcinoma Syndrome. Identifiers: Orphanet 377, MedGen C0004779, MONDO:0007187.

Submission:

Labcorp Genetics (formerly Invitae), Labcorp
Classification: Uncertain significance for Gorlin syndrome; Medulloblastoma. Last evaluated: 2023-07-17. Review status: criteria provided, single submitter. Criteria: Invitae Variant Classification Sherloc (09022015). Collection method: clinical testing. Allele origin: germline.
Comment: This sequence change replaces threonine, which is neutral and polar, with alanine, which is neutral and non-polar, at codon 154 of the SUFU protein (p.Thr154Ala). This variant is not present in population databases (gnomAD no frequency). This variant has not been reported in the literature in individuals affected with SUFU-related conditions. ClinVar contains an entry for this variant (Variation ID: 1720821). Advanced modeling of protein sequence and biophysical properties (such as structural, functional, and spatial information, amino acid conservation, physicochemical variation, residue mobility, and thermodynamic stability) performed at Invitae indicates that this missense variant is not expected to disrupt SUFU protein function. In summary, the available evidence is currently insufficient to determine the role of this variant in disease. Therefore, it has been classified as a Variant of Uncertain Significance.

NM_016169.4(SUFU):c.460A>G (p.Thr154Ala)

Gene: SUFU (SUFU negative regulator of hedgehog signaling; plus strand). Cytogenetic location: 10q24.32.
Variant type: single nucleotide variant.
Coding change: c.460A>G on transcript NM_016169.4 (MANE Select); coding-DNA position 460, A replaced by G.
Protein change: p.Thr154Ala; replaces threonine 154 with alanine.
Molecular consequence: missense variant.
Genome position (GRCh38, 1-based): chr10:102,592,587, A>G. VCF-style: chr10-102592587-A-G. GRCh37 (hg19) VCF-style: chr10-104352344-A-G.
Other names: c.460A>G, p.Thr154Ala (NM_001178133.2); short protein forms T154A.
Identifiers: ClinVar variation 1720821 (VCV001720821.6), dbSNP rs2545080843, ClinGen allele CA377908030.
Genomic context (GRCh38, chr10:102,592,587, plus strand): 5'-TCCAGGCCTGGATCTGGGGCCTTGAACAATGAGGATCCTTGTATCTCTCCCACAGAGAAC[A>G]CCTTCTGCAGTGGGGACCATGTGTCCTGGCACAGCCCTTTGGATAACAGTGAGTCAAGAA-3'
Protein context (NP_057253.2, residues 144-164): LARYVFQSEN[Thr154Ala]FCSGDHVSWH